The following is an entry in ClinVar:

ClinVar aggregate classification (germline): Uncertain significance (1 of 4 stars; one submission).

Conditions:
Andersen Tawil syndrome (LQT7). Also called: Potassium-sensitive periodic paralysis, ventricular ectopy, and dysmorphic features; Andersen Syndrome; LONG QT SYNDROME 7; ANDERSEN CARDIODYSRHYTHMIC PERIODIC PARALYSIS; PERIODIC PARALYSIS, POTASSIUM-SENSITIVE CARDIODYSRHYTHMIC TYPE. Identifiers: Orphanet 37553, MedGen C1563715, MONDO:0008222, OMIM 170390.
Short QT syndrome type 3. Identifiers: Orphanet 51083, MedGen C1865018, MONDO:0012314, OMIM 609622.

Submission:

Labcorp Genetics (formerly Invitae), Labcorp
Classification: Uncertain significance for Short QT syndrome type 3; Andersen Tawil syndrome. Last evaluated: 2020-04-22. Review status: criteria provided, single submitter. Criteria: Invitae Variant Classification Sherloc (09022015). Collection method: clinical testing. Allele origin: germline.
Comment: This sequence change replaces phenylalanine with valine at codon 262 of the KCNJ2 protein (p.Phe262Val). The phenylalanine residue is highly conserved and there is a small physicochemical difference between phenylalanine and valine. In summary, the available evidence is currently insufficient to determine the role of this variant in disease. Therefore, it has been classified as a Variant of Uncertain Significance. Algorithms developed to predict the effect of sequence changes on RNA splicing suggest that this variant may create or strengthen a splice site, but this prediction has not been confirmed by published transcriptional studies. Algorithms developed to predict the effect of missense changes on protein structure and function (SIFT, PolyPhen-2, Align-GVGD) all suggest that this variant is likely to be disruptive, but these predictions have not been confirmed by published functional studies and their clinical significance is uncertain. This variant has not been reported in the literature in individuals with KCNJ2-related conditions. This variant is not present in population databases (ExAC no frequency).

NM_000891.3(KCNJ2):c.784T>G (p.Phe262Val)

Gene: KCNJ2 (potassium inwardly rectifying channel subfamily J member 2; plus strand). Cytogenetic location: 17q24.3.
Variant type: single nucleotide variant.
Coding change: c.784T>G on transcript NM_000891.3 (MANE Select); coding-DNA position 784, T replaced by G.
Protein change: p.Phe262Val; replaces phenylalanine 262 with valine.
Molecular consequence: missense variant.
Genome position (GRCh38, 1-based): chr17:70,175,823, T>G. VCF-style: chr17-70175823-T-G. GRCh37 (hg19) VCF-style: chr17-68171964-T-G.
Other names: short protein forms F262V.
Identifiers: ClinVar variation 1024344 (VCV001024344.8), dbSNP rs2074389312, ClinGen allele CA400862061.